The following is an entry in ClinVar:

NM_152703.5(SAMD9L):c.874G>A (p.Val292Ile)

Gene: SAMD9L (sterile alpha motif domain containing 9 like; minus strand). Cytogenetic location: 7q21.2.
Variant type: single nucleotide variant.
Coding change: c.874G>A on transcript NM_152703.5 (MANE Select); coding-DNA position 874, G replaced by A.
Protein change: p.Val292Ile; replaces valine 292 with isoleucine.
Molecular consequence: missense variant.
Genome position (GRCh38, 1-based): chr7:93,135,098, C>T on the plus strand (G>A on the coding strand, the complement: SAMD9L is on the minus strand). VCF-style: chr7-93135098-C-T. GRCh37 (hg19) VCF-style: chr7-92764411-C-T.
Other names: c.874G>A, p.Val292Ile (NM_001303496.3, NM_001303497.3, NM_001303498.3 and 5 more transcripts); c.874G>A (NM_152703.2); short protein forms V292I.
Identifiers: ClinVar variation 1402072 (VCV001402072.7), dbSNP rs763724281, ClinGen allele CA4343797.

ClinVar aggregate classification (germline): Conflicting classifications of pathogenicity. Review status: criteria provided, conflicting classifications (1 of 4 stars). 2 submissions from 2 submitters: Uncertain significance (1); Likely benign (1). Last evaluated 2025-12-31.

Conditions:
Inborn genetic diseases. Identifiers: MedGen C0950123, MeSH D030342.

Allele frequency attached by ClinVar (database versions not stated): gnomAD exomes 0.00001 and 0.00005; TOPMed 0.00002; ExAC 0.00005.
gnomAD v4.1: 13 of 1,612,734 alleles (0.00081%); highest among the groups gnomAD compares: Admixed American, 0.018%; no homozygotes.

Submissions (2):

Labcorp Genetics (formerly Invitae), Labcorp
Classification: Uncertain significance. Last evaluated: 2025-12-31. Review status: criteria provided, single submitter. Criteria: Invitae Variant Classification Sherloc (09022015). Collection method: clinical testing. Allele origin: germline.
Comment: This sequence change replaces valine, which is neutral and non-polar, with isoleucine, which is neutral and non-polar, at codon 292 of the SAMD9L protein (p.Val292Ile). This variant is present in population databases (rs763724281, gnomAD 0.03%). This variant has not been reported in the literature in individuals affected with SAMD9L-related conditions. ClinVar contains an entry for this variant (Variation ID: 1402072). An algorithm developed to predict the effect of missense changes on protein structure and function (PolyPhen-2) suggests that this variant is likely to be disruptive. In summary, the available evidence is currently insufficient to determine the role of this variant in disease. Therefore, it has been classified as a Variant of Uncertain Significance.

Ambry Genetics
Classification: Likely benign for Inborn genetic diseases. Last evaluated: 2025-01-23. Review status: criteria provided, single submitter. Criteria: Ambry Variant Classification Scheme 2023. Collection method: clinical testing. Allele origin: germline.